The following is an entry in ClinVar:

NM_000138.5(FBN1):c.6528T>G (p.Cys2176Trp)

Gene: FBN1 (fibrillin 1; minus strand). Cytogenetic location: 15q21.1.
Variant type: single nucleotide variant.
Coding change: c.6528T>G on transcript NM_000138.5 (MANE Select); coding-DNA position 6528, T replaced by G.
Protein change: p.Cys2176Trp; replaces cysteine 2176 with tryptophan.
Molecular consequence: missense variant.
Genome position (GRCh38, 1-based): chr15:48,434,682, A>C on the plus strand (T>G on the coding strand, the complement: FBN1 is on the minus strand). VCF-style: chr15-48434682-A-C. GRCh37 (hg19) VCF-style: chr15-48726879-A-C.
Other names: short protein forms C2176W.
Identifiers: ClinVar variation 1494741 (VCV001494741.6), dbSNP rs2141237128, ClinGen allele CA392335142.

ClinVar aggregate classification (germline): Likely pathogenic (1 of 4 stars; one submission).

Conditions:
Marfan syndrome (MFS). Also called: MARFAN SYNDROME, TYPE I; Marfan syndrome type 1; Marfan's syndrome; Marfan syndrome, classic; FBN1-Related Marfan Syndrome. Identifiers: Orphanet 284963, Orphanet 558, MedGen C0024796, MONDO:0007947, OMIM 154700.
Familial thoracic aortic aneurysm and aortic dissection (TAAD). Also called: Thoracic aortic aneurysms and dissections. Identifiers: Orphanet 91387, MedGen C4707243, MONDO:0019625.

Submission:

Labcorp Genetics (formerly Invitae), Labcorp
Classification: Likely pathogenic for Marfan syndrome; Familial thoracic aortic aneurysm and aortic dissection. Last evaluated: 2021-12-24. Review status: criteria provided, single submitter. Criteria: Invitae Variant Classification Sherloc (09022015). Collection method: clinical testing. Allele origin: germline.
Comment: In summary, the currently available evidence indicates that the variant is pathogenic, but additional data are needed to prove that conclusively. Therefore, this variant has been classified as Likely Pathogenic. This sequence change replaces cysteine, which is neutral and slightly polar, with tryptophan, which is neutral and slightly polar, at codon 2176 of the FBN1 protein (p.Cys2176Trp). This variant is not present in population databases (gnomAD no frequency). This variant has not been reported in the literature in individuals affected with FBN1-related conditions. Advanced modeling of protein sequence and biophysical properties (such as structural, functional, and spatial information, amino acid conservation, physicochemical variation, residue mobility, and thermodynamic stability) performed at Invitae indicates that this missense variant is expected to disrupt FBN1 protein function. This variant affects a cysteine residue in the EGF-like, TGFBP or hybrid motif domains of FBN1. Cysteine residues are believed to be involved in intramolecular disulfide bridges and have been shown to be important for FBN1 protein structure (PMID: 16905551, 19349279). In addition, missense substitutions affecting cysteine residues within these domains are significantly overrepresented among patients with Marfan syndrome (PMID: 16571647, 17701892).

Literature cited by the submitters: PubMed 16905551; PubMed 19349279; PubMed 16571647; PubMed 17701892.